The following is an entry in ClinVar:

ClinVar aggregate classification (germline): Uncertain significance (1 of 4 stars; one submission).

Allele frequency attached by ClinVar (database versions not stated): gnomAD exomes 0.00001 and 0.00004; gnomAD 0.00003; TOPMed 0.00003.
gnomAD v4.1: 62 of 1,523,840 alleles (0.0041%); highest among the groups gnomAD compares: Non-Finnish European, 0.0055%; no homozygotes.

Submission:

Labcorp Genetics (formerly Invitae), Labcorp
Classification: Uncertain significance. Last evaluated: 2025-07-25. Review status: criteria provided, single submitter. Criteria: Invitae Variant Classification Sherloc (09022015). Collection method: clinical testing. Allele origin: germline.
Comment: This sequence change replaces glutamine, which is neutral and polar, with histidine, which is basic and polar, at codon 95 of the ARIH1 protein (p.Gln95His). The frequency data for this variant in the population databases is considered unreliable, as metrics indicate poor data quality at this position in the gnomAD database. This variant has not been reported in the literature in individuals affected with ARIH1-related conditions. ClinVar contains an entry for this variant (Variation ID: 1377552). An algorithm developed to predict the effect of missense changes on protein structure and function (PolyPhen-2) suggests that this variant is likely to be tolerated. In summary, the available evidence is currently insufficient to determine the role of this variant in disease. Therefore, it has been classified as a Variant of Uncertain Significance.

NM_005744.5(ARIH1):c.285G>T (p.Gln95His)

Gene: ARIH1 (ariadne RBR E3 ubiquitin protein ligase 1; plus strand). Cytogenetic location: 15q24.1.
Variant type: single nucleotide variant.
Coding change: c.285G>T on transcript NM_005744.5 (MANE Select); coding-DNA position 285, G replaced by T.
Protein change: p.Gln95His; replaces glutamine 95 with histidine.
Molecular consequence: missense variant.
Genome position (GRCh38, 1-based): chr15:72,474,924, G>T. VCF-style: chr15-72474924-G-T. GRCh37 (hg19) VCF-style: chr15-72767265-G-T.
Other names: short protein forms Q95H.
Identifiers: ClinVar variation 1377552 (VCV001377552.6), dbSNP rs957384868, ClinGen allele CA273260108.